The following is an entry in ClinVar:

NM_012204.4(GTF3C4):c.1249C>T (p.His417Tyr)

Gene: GTF3C4 (general transcription factor IIIC subunit 4; plus strand). Cytogenetic location: 9q34.13.
Variant type: single nucleotide variant.
Coding change: c.1249C>T on transcript NM_012204.4 (MANE Select); coding-DNA position 1249, C replaced by T.
Protein change: p.His417Tyr; replaces histidine 417 with tyrosine.
Molecular consequence: missense variant. On other transcripts: non-coding transcript variant (1).
Genome position (GRCh38, 1-based): chr9:132,678,868, C>T. VCF-style: chr9-132678868-C-T. GRCh37 (hg19) VCF-style: chr9-135554255-C-T.
Other names: short protein forms H417Y.
Identifiers: ClinVar variation 2659660 (VCV002659660.24), dbSNP rs2539966584, ClinGen allele CA375371941.

ClinVar aggregate classification (germline): Uncertain significance (1 of 4 stars; one submission).

Allele frequency attached by ClinVar (database versions not stated): gnomAD exomes below 0.00001.

Submission:

CeGaT Center for Human Genetics Tuebingen
Classification: Uncertain significance. Last evaluated: 2022-05-01. Review status: criteria provided, single submitter. Criteria: CeGaT Center For Human Genetics Tuebingen Variant Classification Criteria Version 2. Collection method: clinical testing. Allele origin: germline. Affected: yes. Observed: 1 variant allele.
Comment: GTF3C4: PM2